The following is an entry in ClinVar:

ClinVar aggregate classification (germline): Likely benign (1 of 4 stars; one submission).

Allele frequency attached by ClinVar (database versions not stated): 1000 Genomes Project 30x 0.00031; 1000 Genomes Project 0.00040; ESP Exome Variant Server 0.00080.
gnomAD v4.1: 812 of 771,080 alleles (0.11%); highest among the groups gnomAD compares: Middle Eastern, 0.27%; 2 homozygotes.

Submission:

CeGaT Center for Human Genetics Tuebingen
Classification: Likely benign. Last evaluated: 2022-10-01. Review status: criteria provided, single submitter. Criteria: CeGaT Center For Human Genetics Tuebingen Variant Classification Criteria Version 2. Collection method: clinical testing. Allele origin: germline. Affected: yes. Observed: 1 variant allele.
Comment: BAHCC1: BP4, BP7

NM_001377448.1(BAHCC1):c.5652C>T (p.Pro1884=)

Gene: BAHCC1 (BAH domain and coiled-coil containing 1; plus strand). Cytogenetic location: 17q25.3.
Variant type: single nucleotide variant.
Coding change: c.5652C>T on transcript NM_001377448.1 (MANE Select); coding-DNA position 5652, C replaced by T.
Protein change: p.Pro1884=; no amino-acid change (proline 1884 retained).
Molecular consequence: synonymous variant.
Genome position (GRCh38, 1-based): chr17:81,459,100, C>T. VCF-style: chr17-81459100-C-T. GRCh37 (hg19) VCF-style: chr17-79426126-C-T.
Other names: c.5745C>T, p.Pro1915= (NM_001291324.3).
Identifiers: ClinVar variation 2648454 (VCV002648454.24), dbSNP rs61744534, ClinGen allele CA8834899.